The following is an entry in ClinVar:

ClinVar aggregate classification (germline): Uncertain significance (1 of 4 stars; one submission).

Submission:

ARUP Laboratories, Molecular Genetics and Genomics, ARUP Laboratories
Classification: Uncertain significance. Last evaluated: 2020-08-27. Review status: criteria provided, single submitter. Criteria: ARUP Molecular Germline Variant Investigation Process. Collection method: clinical testing. Allele origin: germline.
Comment: The RAF1 c.1897G>A; p.Asp633Asn variant, to our knowledge, has not been reported in the medical literature or gene specific databases. This variant is also absent from general population databases (1000 Genomes Project, Exome Variant Server, and Genome Aggregation Database), indicating it is not a common polymorphism. The aspartic acid at codon 633 is highly conserved (Alamut v.2.11) and computational analyses (SIFT, PolyPhen-2) predict that this variant is deleterious. However, based on the available information, the clinical significance of this variant is uncertain.

NM_002880.4(RAF1):c.1897G>A (p.Asp633Asn)

Gene: RAF1 (Raf-1 proto-oncogene, serine/threonine kinase; minus strand). Cytogenetic location: 3p25.2.
Variant type: single nucleotide variant.
Coding change: c.1897G>A on transcript NM_002880.4 (MANE Select); coding-DNA position 1897, G replaced by A.
Protein change: p.Asp633Asn; replaces aspartic acid 633 with asparagine.
Molecular consequence: missense variant. On other transcripts: non-coding transcript variant (3).
Genome position (GRCh38, 1-based): chr3:12,584,564, C>T on the plus strand (G>A on the coding strand, the complement: RAF1 is on the minus strand). VCF-style: chr3-12584564-C-T. GRCh37 (hg19) VCF-style: chr3-12626063-C-T.
Other names: c.1957G>A, p.Asp653Asn (NM_001354689.3); c.1897G>A, p.Asp633Asn (NM_001354690.3); c.1654G>A, p.Asp552Asn (NM_001354691.3, NM_001354692.3); c.1798G>A, p.Asp600Asn (NM_001354693.3); c.1714G>A, p.Asp572Asn (NM_001354694.3); c.1555G>A, p.Asp519Asn (NM_001354695.3); short protein forms D519N, D552N, D572N, D600N, D633N, D653N.
Identifiers: ClinVar variation 994394 (VCV000994394.8), dbSNP rs1352545039, ClinGen allele CA351495681.